The following is an entry in ClinVar:

NM_005051.3(QARS1):c.818A>G (p.Asn273Ser)

Gene: QARS1 (glutaminyl-tRNA synthetase 1; minus strand). Cytogenetic location: 3p21.31.
Variant type: single nucleotide variant.
Coding change: c.818A>G on transcript NM_005051.3 (MANE Select); coding-DNA position 818, A replaced by G.
Protein change: p.Asn273Ser; replaces asparagine 273 with serine.
Molecular consequence: missense variant. On other transcripts: non-coding transcript variant (1).
Genome position (GRCh38, 1-based): chr3:49,101,413, T>C on the plus strand (A>G on the coding strand, the complement: QARS1 is on the minus strand). VCF-style: chr3-49101413-T-C. GRCh37 (hg19) VCF-style: chr3-49138846-T-C.
Other names: c.785A>G, p.Asn262Ser (NM_001272073.2); c.818A>G (NM_005051.1); short protein forms N273S, N262S.
Identifiers: ClinVar variation 938701 (VCV000938701.5), dbSNP rs200736711, ClinGen allele CA2391998.

ClinVar aggregate classification (germline): Uncertain significance. Review status: criteria provided, multiple submitters, no conflicts (2 of 4 stars). 2 submissions from 2 submitters: Uncertain significance (2). Last evaluated 2024-07-15.

Conditions:
Inborn genetic diseases. Identifiers: MedGen C0950123, MeSH D030342.
Diffuse cerebral and cerebellar atrophy - intractable seizures - progressive microcephaly syndrome. Also called: Microcephaly, progressive, with seizures and cerebral and cerebellar atrophy. Identifiers: Orphanet 404437, MedGen C4014239, MONDO:0014335, OMIM 615760.

Allele frequency attached by ClinVar (database versions not stated): gnomAD exomes 0.00004; TOPMed 0.00004; ExAC 0.00005; gnomAD 0.00005.

Submissions (2):

Ambry Genetics
Classification: Uncertain significance for Inborn genetic diseases. Last evaluated: 2024-07-15. Review status: criteria provided, single submitter. Criteria: Ambry Variant Classification Scheme 2023. Collection method: clinical testing. Allele origin: germline.

Labcorp Genetics (formerly Invitae), Labcorp
Classification: Uncertain significance for Diffuse cerebral and cerebellar atrophy - intractable seizures - progressive microcephaly syndrome. Last evaluated: 2022-06-29. Review status: criteria provided, single submitter. Criteria: Invitae Variant Classification Sherloc (09022015). Collection method: clinical testing. Allele origin: germline.
Comment: This sequence change replaces asparagine, which is neutral and polar, with serine, which is neutral and polar, at codon 273 of the QARS protein (p.Asn273Ser). This variant is present in population databases (rs200736711, gnomAD 0.02%). This variant has not been reported in the literature in individuals affected with QARS-related conditions. ClinVar contains an entry for this variant (Variation ID: 938701). Algorithms developed to predict the effect of missense changes on protein structure and function (SIFT, PolyPhen-2, Align-GVGD) all suggest that this variant is likely to be disruptive. In summary, the available evidence is currently insufficient to determine the role of this variant in disease. Therefore, it has been classified as a Variant of Uncertain Significance.